The following is an entry in ClinVar:

NM_001004356.3(FGFRL1):c.1277G>A (p.Arg426His)

Gene: FGFRL1 (fibroblast growth factor receptor like 1; plus strand). Cytogenetic location: 4p16.3.
Variant type: single nucleotide variant.
Coding change: c.1277G>A on transcript NM_001004356.3 (MANE Select); coding-DNA position 1277, G replaced by A.
Protein change: p.Arg426His; replaces arginine 426 with histidine.
Molecular consequence: missense variant.
Genome position (GRCh38, 1-based): chr4:1,025,109, G>A. VCF-style: chr4-1025109-G-A. GRCh37 (hg19) VCF-style: chr4-1018897-G-A.
Other names: c.1277G>A, p.Arg426His (NM_001004358.1, NM_001370296.1, NM_021923.3); short protein forms R426H.
Identifiers: ClinVar variation 2911624 (VCV002911624.3), dbSNP rs751318362, ClinGen allele CA2803062.

ClinVar aggregate classification (germline): Uncertain significance (1 of 4 stars; one submission).

Allele frequency attached by ClinVar (database versions not stated): gnomAD 0.00001.
gnomAD v4.1: 18 of 1,610,850 alleles (0.0011%); highest among the groups gnomAD compares: South Asian, 0.0033%; 1 homozygote.

Submission:

Labcorp Genetics (formerly Invitae), Labcorp
Classification: Uncertain significance. Last evaluated: 2025-04-23. Review status: criteria provided, single submitter. Criteria: Invitae Variant Classification Sherloc (09022015). Collection method: clinical testing. Allele origin: germline.
Comment: This sequence change replaces arginine, which is basic and polar, with histidine, which is basic and polar, at codon 426 of the FGFRL1 protein (p.Arg426His). This variant is present in population databases (rs751318362, gnomAD 0.003%). This variant has not been reported in the literature in individuals affected with FGFRL1-related conditions. ClinVar contains an entry for this variant (Variation ID: 2911624). An algorithm developed to predict the effect of missense changes on protein structure and function (PolyPhen-2) suggests that this variant is likely to be tolerated. In summary, the available evidence is currently insufficient to determine the role of this variant in disease. Therefore, it has been classified as a Variant of Uncertain Significance.